The following is an entry in ClinVar:

NM_000026.4(ADSL):c.224A>G (p.Lys75Arg)

Gene: ADSL (adenylosuccinate lyase; plus strand). Cytogenetic location: 22q13.1.
Variant type: single nucleotide variant.
Coding change: c.224A>G on transcript NM_000026.4 (MANE Select); coding-DNA position 224, A replaced by G.
Protein change: p.Lys75Arg; replaces lysine 75 with arginine.
Molecular consequence: missense variant. On other transcripts: non-coding transcript variant (1).
Genome position (GRCh38, 1-based): chr22:40,349,902, A>G. VCF-style: chr22-40349902-A-G. GRCh37 (hg19) VCF-style: chr22-40745906-A-G.
Other names: c.224A>G (NM_000026.2); c.224A>G, p.Lys75Arg (NM_001123378.3, NM_001363840.3); c.32A>G, p.Lys11Arg (NM_001317923.2); short protein forms K11R, K75R.
Identifiers: ClinVar variation 1449173 (VCV001449173.5), dbSNP rs772345709, ClinGen allele CA10247649.

ClinVar aggregate classification (germline): Uncertain significance. Review status: criteria provided, multiple submitters, no conflicts (2 of 4 stars). 3 submissions from 3 submitters: Uncertain significance (3). Last evaluated 2024-11-28.

Conditions:
Adenylosuccinate lyase deficiency (ADSLD). Also called: ADSL DEFICIENCY. Identifiers: Orphanet 46, MedGen C0268126, MONDO:0007068, OMIM 103050.
Inborn genetic diseases. Identifiers: MedGen C0950123, MeSH D030342.

Allele frequency attached by ClinVar (database versions not stated): gnomAD exomes below 0.00001 and 0.00001; ExAC 0.00002; gnomAD 0.00003; TOPMed 0.00004.
gnomAD v4.1: 7 of 1,614,084 alleles (0.00043%); highest among the groups gnomAD compares: African/African-American, 0.0067%; no homozygotes.

Submissions (3):

Ambry Genetics
Classification: Uncertain significance for Inborn genetic diseases. Last evaluated: 2024-11-28. Review status: criteria provided, single submitter. Criteria: Ambry Variant Classification Scheme 2023. Collection method: clinical testing. Allele origin: germline.

Labcorp Genetics (formerly Invitae), Labcorp
Classification: Uncertain significance for Adenylosuccinate lyase deficiency. Last evaluated: 2022-10-31. Review status: criteria provided, single submitter. Criteria: Invitae Variant Classification Sherloc (09022015). Collection method: clinical testing. Allele origin: germline.
Comment: This sequence change replaces lysine, which is basic and polar, with arginine, which is basic and polar, at codon 75 of the ADSL protein (p.Lys75Arg). This variant is present in population databases (rs772345709, gnomAD 0.01%). This variant has not been reported in the literature in individuals affected with ADSL-related conditions. ClinVar contains an entry for this variant (Variation ID: 1449173). Advanced modeling of protein sequence and biophysical properties (such as structural, functional, and spatial information, amino acid conservation, physicochemical variation, residue mobility, and thermodynamic stability) performed at Invitae indicates that this missense variant is not expected to disrupt ADSL protein function. In summary, the available evidence is currently insufficient to determine the role of this variant in disease. Therefore, it has been classified as a Variant of Uncertain Significance.

Fulgent Genetics
Classification: Uncertain significance for Adenylosuccinate lyase deficiency. Last evaluated: 2022-03-30. Review status: criteria provided, single submitter. Criteria: ACMG Guidelines, 2015. Collection method: clinical testing. Allele origin: unknown.